The following is an entry in ClinVar:

NM_001042492.3(NF1):c.6772C>G (p.Arg2258Gly)

Gene: NF1 (neurofibromin 1; plus strand). Cytogenetic location: 17q11.2.
Variant type: single nucleotide variant.
Coding change: c.6772C>G on transcript NM_001042492.3 (MANE Select); coding-DNA position 6772, C replaced by G.
Protein change: p.Arg2258Gly; replaces arginine 2258 with glycine.
Molecular consequence: missense variant.
Genome position (GRCh38, 1-based): chr17:31,338,092, C>G. VCF-style: chr17-31338092-C-G. GRCh37 (hg19) VCF-style: chr17-29665110-C-G.
Other names: c.6709C>G, p.Arg2237Gly (NM_000267.4); short protein forms R2258G, R2237G.
Identifiers: ClinVar variation 2755730 (VCV002755730.4), dbSNP rs876658541, ClinGen allele CA399014127.

ClinVar aggregate classification (germline): Uncertain significance. Review status: criteria provided, multiple submitters, no conflicts (2 of 4 stars). 2 submissions from 2 submitters: Uncertain significance (2). Last evaluated 2023-08-27.

Conditions:
Cardiovascular phenotype. Identifiers: MedGen CN230736.
Hereditary cancer-predisposing syndrome. Also called: Neoplastic Syndromes, Hereditary; Tumor predisposition; Hereditary neoplastic syndrome; Hereditary Cancer Syndrome. Identifiers: Orphanet 140162, MedGen C0027672, MeSH D009386, MONDO:0015356.
Neurofibromatosis, type 1 (NF1). Also called: VON RECKLINGHAUSEN DISEASE; NEUROFIBROMATOSIS, TYPE I, SOMATIC; Peripheral type neurofibromatosis; Neurofibromatosis, type I. Identifiers: Orphanet 636, MedGen C0027831, MONDO:0018975, OMIM 162200. Disease mechanism: loss of function.

Submissions (2):

Labcorp Genetics (formerly Invitae), Labcorp
Classification: Uncertain significance for Neurofibromatosis, type 1. Last evaluated: 2023-08-27. Review status: criteria provided, single submitter. Criteria: Invitae Variant Classification Sherloc (09022015). Collection method: clinical testing. Allele origin: germline.
Comment: This variant is not present in population databases (gnomAD no frequency). This sequence change replaces arginine, which is basic and polar, with glycine, which is neutral and non-polar, at codon 2237 of the NF1 protein (p.Arg2237Gly). This variant has not been reported in the literature in individuals affected with NF1-related conditions. Advanced modeling of protein sequence and biophysical properties (such as structural, functional, and spatial information, amino acid conservation, physicochemical variation, residue mobility, and thermodynamic stability) performed at Invitae indicates that this missense variant is not expected to disrupt NF1 protein function. In summary, the available evidence is currently insufficient to determine the role of this variant in disease. Therefore, it has been classified as a Variant of Uncertain Significance.

Ambry Genetics
Classification: Uncertain significance for Cardiovascular phenotype; Hereditary cancer-predisposing syndrome. Last evaluated: 2023-08-07. Review status: criteria provided, single submitter. Criteria: Ambry Variant Classification Scheme 2023. Collection method: clinical testing. Allele origin: germline.
Comment: The p.R2237G variant (also known as c.6709C>G), located in coding exon 44 of the NF1 gene, results from a C to G substitution at nucleotide position 6709. The arginine at codon 2237 is replaced by glycine, an amino acid with dissimilar properties. This amino acid position is highly conserved in available vertebrate species. In addition, this alteration is predicted to be deleterious by in silico analysis. Since supporting evidence is limited at this time, the clinical significance of this alteration remains unclear.